The following is an entry in ClinVar:

NM_004104.5(FASN):c.6908G>A (p.Arg2303His)

Gene: FASN (fatty acid synthase; minus strand). Cytogenetic location: 17q25.3.
Variant type: single nucleotide variant.
Coding change: c.6908G>A on transcript NM_004104.5 (MANE Select); coding-DNA position 6908, G replaced by A.
Protein change: p.Arg2303His; replaces arginine 2303 with histidine.
Molecular consequence: missense variant.
Genome position (GRCh38, 1-based): chr17:82,080,509, C>T on the plus strand (G>A on the coding strand, the complement: FASN is on the minus strand). VCF-style: chr17-82080509-C-T. GRCh37 (hg19) VCF-style: chr17-80038385-C-T.
Other names: short protein forms R2303H.
Identifiers: ClinVar variation 2058582 (VCV002058582.4), dbSNP rs1392294588, ClinGen allele CA401598259.

ClinVar aggregate classification (germline): Uncertain significance (1 of 4 stars; one submission).

Conditions:
Epileptic encephalopathy. Identifiers: MedGen C0543888, HP:0200134.

Allele frequency attached by ClinVar (database versions not stated): gnomAD exomes 0.00002.
gnomAD v4.1: 24 of 1,563,608 alleles (0.0015%); highest among the groups gnomAD compares: Admixed American, 0.0038%; no homozygotes.

Submission:

Labcorp Genetics (formerly Invitae), Labcorp
Classification: Uncertain significance for Epileptic encephalopathy. Last evaluated: 2025-08-04. Review status: criteria provided, single submitter. Criteria: Invitae Variant Classification Sherloc (09022015). Collection method: clinical testing. Allele origin: germline.
Comment: This sequence change replaces arginine, which is basic and polar, with histidine, which is basic and polar, at codon 2303 of the FASN protein (p.Arg2303His). This variant is present in population databases (no rsID available, gnomAD 0.009%). This variant has not been reported in the literature in individuals affected with FASN-related conditions. ClinVar contains an entry for this variant (Variation ID: 2058582). An algorithm developed to predict the effect of missense changes on protein structure and function (PolyPhen-2) suggests that this variant is likely to be tolerated. In summary, the available evidence is currently insufficient to determine the role of this variant in disease. Therefore, it has been classified as a Variant of Uncertain Significance.